The following is an entry in ClinVar:

ClinVar aggregate classification (germline): Uncertain significance (1 of 4 stars; one submission).

Conditions:
Developmental and epileptic encephalopathy, 53. Also called: Epileptic encephalopathy, early infantile, 53. Identifiers: MedGen C4479313, MONDO:0033362, OMIM 617389.
Early-onset Parkinson disease 20. Also called: PARKINSON DISEASE 20, AUTOSOMAL RECESSIVE EARLY-ONSET. Identifiers: Orphanet 391411, MedGen C3809824, MONDO:0014233, OMIM 615530.

Allele frequency attached by ClinVar (database versions not stated): gnomAD exomes below 0.00001; TOPMed below 0.00001; ESP Exome Variant Server 0.00008.
gnomAD v4.1: 2 of 1,610,806 alleles (0.00012%); highest among the groups gnomAD compares: Middle Eastern, 0.017%; no homozygotes.

Submission:

Labcorp Genetics (formerly Invitae), Labcorp
Classification: Uncertain significance for Developmental and epileptic encephalopathy, 53; Early-onset Parkinson disease 20. Last evaluated: 2019-03-07. Review status: criteria provided, single submitter. Criteria: Invitae Variant Classification Sherloc (09022015). Collection method: clinical testing. Allele origin: germline.
Comment: In summary, the available evidence is currently insufficient to determine the role of this variant in disease. Therefore, it has been classified as a Variant of Uncertain Significance. Algorithms developed to predict the effect of missense changes on protein structure and function are either unavailable or do not agree on the potential impact of this missense change (SIFT: "Tolerated"; PolyPhen-2: "Possibly Damaging"; Align-GVGD: "Class C0"). This variant has not been reported in the literature in individuals with SYNJ1-related conditions. This variant is not present in population databases (ExAC no frequency). This sequence change replaces isoleucine with threonine at codon 800 of the SYNJ1 protein (p.Ile800Thr). The isoleucine residue is moderately conserved and there is a moderate physicochemical difference between isoleucine and threonine.

NM_203446.3(SYNJ1):c.2282T>C (p.Ile761Thr)

Gene: SYNJ1 (synaptojanin 1; minus strand). Cytogenetic location: 21q22.11.
Variant type: single nucleotide variant.
Coding change: c.2282T>C on transcript NM_203446.3 (MANE Select); coding-DNA position 2282, T replaced by C.
Protein change: p.Ile761Thr; replaces isoleucine 761 with threonine.
Molecular consequence: missense variant.
Genome position (GRCh38, 1-based): chr21:32,664,935, A>G on the plus strand (T>C on the coding strand, the complement: SYNJ1 is on the minus strand). VCF-style: chr21-32664935-A-G. GRCh37 (hg19) VCF-style: chr21-34037245-A-G.
Other names: c.2282T>C, p.Ile761Thr (NM_001160302.2); c.2267T>C, p.Ile756Thr (NM_001160306.2); c.2399T>C, p.Ile800Thr (NM_003895.4); short protein forms I756T, I800T, I761T.
Identifiers: ClinVar variation 863393 (VCV000863393.8), dbSNP rs373953139, ClinGen allele CA319429788.